The following is an entry in ClinVar:

NM_002691.4(POLD1):c.2097C>T (p.Ser699=)

Gene: POLD1 (DNA polymerase delta 1, catalytic subunit; plus strand). Cytogenetic location: 19q13.33.
Variant type: single nucleotide variant.
Coding change: c.2097C>T on transcript NM_002691.4 (MANE Select); coding-DNA position 2097, C replaced by T.
Protein change: p.Ser699=; no amino-acid change (serine 699 retained).
Molecular consequence: synonymous variant. On other transcripts: non-coding transcript variant (1).
Genome position (GRCh38, 1-based): chr19:50,409,609, C>T. VCF-style: chr19-50409609-C-T. GRCh37 (hg19) VCF-style: chr19-50912866-C-T.
Other names: c.2097C>T, p.Ser699= (NM_001256849.1); c.2175C>T, p.Ser725= (NM_001308632.1).
Identifiers: ClinVar variation 706601 (VCV000706601.46), dbSNP rs748871980, ClinGen allele CA9596384.

ClinVar aggregate classification (germline): Likely benign. Review status: criteria provided, multiple submitters, no conflicts (2 of 4 stars). 5 submissions from 5 submitters: Likely benign (5). Last evaluated 2026-01-13.

Conditions:
Hereditary cancer-predisposing syndrome. Also called: Neoplastic Syndromes, Hereditary; Tumor predisposition; Hereditary Cancer Syndrome; Hereditary neoplastic syndrome. Identifiers: Orphanet 140162, MedGen C0027672, MeSH D009386, MONDO:0015356.
POLD1-related polyposis and colorectal cancer syndrome (CRCS10). Also called: Colorectal cancer 10; COLORECTAL CANCER, SUSCEPTIBILITY TO, ON CHROMOSOME 19q; Colorectal cancer, susceptibility to, 10. Identifiers: Orphanet 220460, MedGen C2675481, MONDO:0012953, OMIM 612591.

Allele frequency attached by ClinVar (database versions not stated): TOPMed below 0.00001; gnomAD 0.00001; ExAC 0.00003.
gnomAD v4.1: 9 of 1,611,782 alleles (0.00056%); highest among the groups gnomAD compares: Non-Finnish European, 0.00076%; no homozygotes.

Submissions (5):

Labcorp Genetics (formerly Invitae), Labcorp
Classification: Likely benign for POLD1-related polyposis and colorectal cancer syndrome. Last evaluated: 2026-01-13. Review status: criteria provided, single submitter. Criteria: Invitae Variant Classification Sherloc (09022015). Collection method: clinical testing. Allele origin: germline.

CeGaT Center for Human Genetics Tuebingen
Classification: Likely benign. Last evaluated: 2022-03-01. Review status: criteria provided, single submitter. Criteria: CeGaT Center For Human Genetics Tuebingen Variant Classification Criteria Version 2. Collection method: clinical testing. Allele origin: germline. Affected: yes. Observed: 1 variant allele.
Comment: POLD1: BP4, BP7

Sema4
Classification: Likely benign for Hereditary cancer-predisposing syndrome. Last evaluated: 2021-01-09. Review status: criteria provided, single submitter. Criteria: Sema4 Curation Guidelines. Collection method: curation. Allele origin: germline.

GeneDx
Classification: Likely benign. Last evaluated: 2020-01-25. Review status: criteria provided, single submitter. Criteria: GeneDx Variant Classification (06012015). Collection method: clinical testing. Allele origin: germline. Affected: yes.
Comment: This variant is associated with the following publications: (PMID: 25344691)

Ambry Genetics
Classification: Likely benign for Hereditary cancer-predisposing syndrome. Last evaluated: 2018-07-05. Review status: criteria provided, single submitter. Criteria: Ambry Variant Classification Scheme 2023. Collection method: clinical testing. Allele origin: germline.